The following is an entry in ClinVar:

NM_001164508.2(NEB):c.739G>T (p.Ala247Ser)

Gene: NEB (nebulin; minus strand). Cytogenetic location: 2q23.3.
Variant type: single nucleotide variant.
Coding change: c.739G>T on transcript NM_001164508.2 (MANE Select); coding-DNA position 739, G replaced by T.
Protein change: p.Ala247Ser; replaces alanine 247 with serine.
Molecular consequence: missense variant.
Genome position (GRCh38, 1-based): chr2:151,717,499, C>A on the plus strand (G>T on the coding strand, the complement: NEB is on the minus strand). VCF-style: chr2-151717499-C-A. GRCh37 (hg19) VCF-style: chr2-152574013-C-A.
Other names: c.739G>T, p.Ala247Ser (NM_001164507.2, NM_001271208.2, NM_004543.5); short protein forms A247S.
Identifiers: ClinVar variation 3731139 (VCV003731139.1).

ClinVar aggregate classification (germline): Uncertain significance (1 of 4 stars; one submission).

Submission:

GeneDx
Classification: Uncertain significance. Last evaluated: 2024-08-15. Review status: criteria provided, single submitter. Criteria: GeneDx Variant Classification Process June 2021. Collection method: clinical testing. Allele origin: germline. Affected: yes.
Comment: Not observed at significant frequency in large population cohorts (gnomAD); In silico analysis indicates that this missense variant does not alter protein structure/function; Has not been previously published as pathogenic or benign to our knowledge